The following is an entry in ClinVar:

ClinVar aggregate classification (germline): Uncertain significance (1 of 4 stars; one submission).

Conditions:
Charcot-Marie-Tooth disease type 2. Also called: Charcot-Marie-Tooth type 2. Identifiers: Orphanet 64746, MedGen C0270914, MONDO:0018993.

Allele frequency attached by ClinVar (database versions not stated): TOPMed below 0.00001; gnomAD exomes 0.00001.
gnomAD v4.1: 9 of 1,614,148 alleles (0.00056%); highest among the groups gnomAD compares: Non-Finnish European, 0.00076%; no homozygotes.

Submission:

Labcorp Genetics (formerly Invitae), Labcorp
Classification: Uncertain significance for Charcot-Marie-Tooth disease type 2. Last evaluated: 2025-10-28. Review status: criteria provided, single submitter. Criteria: Invitae Variant Classification Sherloc (09022015). Collection method: clinical testing. Allele origin: germline.
Comment: This sequence change replaces arginine, which is basic and polar, with histidine, which is basic and polar, at codon 390 of the AARS protein (p.Arg390His). This variant is not present in population databases (gnomAD no frequency). This variant has not been reported in the literature in individuals affected with AARS-related conditions. ClinVar contains an entry for this variant (Variation ID: 1055044). Invitae Evidence Modeling of protein sequence and biophysical properties (such as structural, functional, and spatial information, amino acid conservation, physicochemical variation, residue mobility, and thermodynamic stability) indicates that this missense variant is not expected to disrupt AARS protein function with a negative predictive value of 95%. In summary, the available evidence is currently insufficient to determine the role of this variant in disease. Therefore, it has been classified as a Variant of Uncertain Significance.

NM_001605.3(AARS1):c.1169G>A (p.Arg390His)

Gene: AARS1 (alanyl-tRNA synthetase 1; minus strand). Cytogenetic location: 16q22.1.
Variant type: single nucleotide variant.
Coding change: c.1169G>A on transcript NM_001605.3 (MANE Select); coding-DNA position 1169, G replaced by A.
Protein change: p.Arg390His; replaces arginine 390 with histidine.
Molecular consequence: missense variant.
Genome position (GRCh38, 1-based): chr16:70,267,712, C>T on the plus strand (G>A on the coding strand, the complement: AARS1 is on the minus strand). VCF-style: chr16-70267712-C-T. GRCh37 (hg19) VCF-style: chr16-70301615-C-T.
Other names: short protein forms R390H.
Identifiers: ClinVar variation 1055044 (VCV001055044.10), dbSNP rs1465496890, ClinGen allele CA396563516.
Genomic context (GRCh38, chr16:70,267,712, plus strand): 5'-TACCTACCGGGAATGGTCTTGCTGTCTCCCAGGCTCTGAATTTTCCTGTCCAGGATGCGA[C>T]GCCCTCTGCTGAGAGTCTTGAGAAACTGCACCTCTTCTTCATTAATGATGTCCTTCACCA-3'
Protein context (NP_001596.2, residues 380-400): VQFLKTLSRG[Arg390His]RILDRKIQSL